The following is an entry in ClinVar:

ClinVar aggregate classification (germline): Uncertain significance. Review status: criteria provided, multiple submitters, no conflicts (2 of 4 stars). 2 submissions from 2 submitters: Uncertain significance (2). Last evaluated 2025-08-10.

Conditions:
Inborn genetic diseases. Identifiers: MedGen C0950123, MeSH D030342.
Deficiency of ferroxidase (ACEP). Also called: NEURODEGENERATION WITH BRAIN IRON ACCUMULATION 10; Ceruloplasmin deficiency; Familial apoceruloplasmin deficiency; Hereditary ceruloplasmin deficiency; Aceruloplasminemia; Deficiency of ceruloplasmin. Identifiers: Orphanet 48818, MedGen C0878682, MONDO:0011426, OMIM 604290, HP:0025498.

Allele frequency attached by ClinVar (database versions not stated): gnomAD 0.00006; TOPMed 0.00006; ESP Exome Variant Server 0.00008; 1000 Genomes Project 30x 0.00016; 1000 Genomes Project 0.00020.

Submissions (2):

Ambry Genetics
Classification: Uncertain significance for Inborn genetic diseases. Last evaluated: 2025-08-10. Review status: criteria provided, single submitter. Criteria: Ambry Variant Classification Scheme 2023. Collection method: clinical testing. Allele origin: germline.

Labcorp Genetics (formerly Invitae), Labcorp
Classification: Uncertain significance for Deficiency of ferroxidase. Last evaluated: 2018-10-30. Review status: criteria provided, single submitter. Criteria: Invitae Variant Classification Sherloc (09022015). Collection method: clinical testing. Allele origin: germline.
Comment: In summary, the available evidence is currently insufficient to determine the role of this variant in disease. Therefore, it has been classified as a Variant of Uncertain Significance. Algorithms developed to predict the effect of missense changes on protein structure and function (SIFT, PolyPhen-2, Align-GVGD) all suggest that this variant is likely to be disruptive, but these predictions have not been confirmed by published functional studies and their clinical significance is uncertain. This variant has not been reported in the literature in individuals with CP-related disease. This variant is present in population databases (rs148809294, ExAC 0.03%). This sequence change replaces isoleucine with threonine at codon 894 of the CP protein (p.Ile894Thr). The isoleucine residue is highly conserved and there is a moderate physicochemical difference between isoleucine and threonine.

NM_000096.4(CP):c.2681T>C (p.Ile894Thr)

Gene: CP (ceruloplasmin; minus strand). Cytogenetic location: 3q24.
Variant type: single nucleotide variant.
Coding change: c.2681T>C on transcript NM_000096.4 (MANE Select); coding-DNA position 2681, T replaced by C.
Protein change: p.Ile894Thr; replaces isoleucine 894 with threonine.
Molecular consequence: missense variant. On other transcripts: non-coding transcript variant (1).
Genome position (GRCh38, 1-based): chr3:149,178,612, A>G on the plus strand (T>C on the coding strand, the complement: CP is on the minus strand). VCF-style: chr3-149178612-A-G. GRCh37 (hg19) VCF-style: chr3-148896399-A-G.
Other names: short protein forms I894T.
Identifiers: ClinVar variation 638933 (VCV000638933.8), dbSNP rs148809294, ClinGen allele CA2660648.